The following is an entry in ClinVar:

NM_000435.3(NOTCH3):c.1487C>T (p.Pro496Leu)

Gene: NOTCH3 (notch receptor 3; minus strand). Cytogenetic location: 19p13.12.
Variant type: single nucleotide variant.
Coding change: c.1487C>T on transcript NM_000435.3 (MANE Select); coding-DNA position 1487, C replaced by T.
Protein change: p.Pro496Leu; replaces proline 496 with leucine.
Molecular consequence: missense variant.
Genome position (GRCh38, 1-based): chr19:15,188,240, G>A on the plus strand (C>T on the coding strand, the complement: NOTCH3 is on the minus strand). VCF-style: chr19-15188240-G-A. GRCh37 (hg19) VCF-style: chr19-15299051-G-A.
Other names: short protein forms P496L.
Identifiers: ClinVar variation 256120 (VCV000256120.61), dbSNP rs11670799, ClinGen allele CA9263628.

ClinVar aggregate classification (germline): Benign/Likely benign. Review status: criteria provided, multiple submitters, no conflicts (2 of 4 stars). 12 submissions from 12 submitters: Benign (7); Likely benign (3). 2 of the submissions do not count toward it. Last evaluated 2026-10-01.

Conditions:
Myofibromatosis, infantile, 2. Identifiers: Orphanet 2591, MedGen C3809084, MONDO:0014122, OMIM 615293.
Lateral meningocele syndrome (LMNS). Also called: NOTCH3-Related Lateral Meningocele Syndrome. Identifiers: Orphanet 2789, MedGen C1851710, MONDO:0007537, OMIM 130720.
Cerebral arteriopathy, autosomal dominant, with subcortical infarcts and leukoencephalopathy, type 1 (CADASIL1). Also called: CASIL; Cerebral arteriopathy with subcortical infarcts and leukoencephalopathy 1; CADASIL 1; DEMENTIA, HEREDITARY MULTIINFARCT TYPE. Identifiers: Orphanet 136, MedGen C4551768, MONDO:0000914, OMIM 125310.

Allele frequency attached by ClinVar (database versions not stated): 1000 Genomes Project 0.00359; 1000 Genomes Project 30x 0.00422; gnomAD 0.01193 and 0.01273; gnomAD exomes 0.01222 and 0.01606; TOPMed 0.01365; ESP Exome Variant Server 0.01554; ExAC 0.02072.
gnomAD v4.1: 25,094 of 1,596,008 alleles (1.6%); highest among the groups gnomAD compares: Non-Finnish European, 1.8%; 288 homozygotes.

Submissions (12):

CeGaT Center for Human Genetics Tuebingen
Classification: Benign. Last evaluated: 2026-10-01. Review status: criteria provided, single submitter. Criteria: CeGaT Center For Human Genetics Tuebingen Variant Classification Criteria Version 2. Collection method: clinical testing. Allele origin: germline. Affected: yes. Observed: 92 variant alleles.
Comment: NOTCH3: BS1, BS2

Labcorp Genetics (formerly Invitae), Labcorp
Classification: Benign. Last evaluated: 2026-02-03. Review status: criteria provided, single submitter. Criteria: Invitae Variant Classification Sherloc (09022015). Collection method: clinical testing. Allele origin: germline.

ARUP Laboratories, Molecular Genetics and Genomics, ARUP Laboratories
Classification: Benign. Last evaluated: 2025-07-28. Review status: criteria provided, single submitter. Criteria: ARUP Molecular Germline Variant Investigation Process 2024. Collection method: clinical testing. Allele origin: germline.

Athena Diagnostics
Classification: Benign. Last evaluated: 2025-06-20. Review status: criteria provided, single submitter. Criteria: Athena Diagnostics Criteria. Collection method: clinical testing. Allele origin: unknown.
Comment: The frequency of this variant in the general population is higher than would generally be expected for pathogenic variants in this gene.

Mayo Clinic Laboratories, Mayo Clinic
Classification: Benign. Last evaluated: 2023-08-17. Review status: criteria provided, single submitter. Criteria: ACMG Guidelines, 2015. Collection method: clinical testing. Allele origin: germline. Observed: 72 variant alleles.
Comment: BA1

Fulgent Genetics
Classification: Likely benign for Cerebral arteriopathy, autosomal dominant, with subcortical infarcts and leukoencephalopathy, type 1; Lateral meningocele syndrome; Myofibromatosis, infantile, 2. Last evaluated: 2022-01-17. Review status: criteria provided, single submitter. Criteria: ACMG Guidelines, 2015. Collection method: clinical testing. Allele origin: unknown.

GeneDx
Classification: Likely benign. Last evaluated: 2021-05-05. Review status: criteria provided, single submitter. Criteria: GeneDx Variant Classification Process June 2021. Collection method: clinical testing. Allele origin: germline. Affected: yes.
Comment: This variant is associated with the following publications: (PMID: 26894465)

Illumina Laboratory Services, Illumina
Classification: Benign for Cerebral arteriopathy, autosomal dominant, with subcortical infarcts and leukoencephalopathy, type 1. Last evaluated: 2018-01-13. Review status: criteria provided, single submitter. Criteria: ICSL Variant Classification Criteria 13 December 2019. Collection method: clinical testing. Allele origin: germline.
Comment: This variant was observed in the ICSL laboratory as part of a predisposition screen in an ostensibly healthy population. It had not been previously curated by ICSL or reported in the Human Gene Mutation Database (HGMD: prior to June 1st, 2018), and was therefore a candidate for classification through an automated scoring system. Utilizing variant allele frequency, disease prevalence and penetrance estimates, and inheritance mode, an automated score was calculated to assess if this variant is too frequent to cause the disease. Based on the score and internal cut-off values, a variant classified as benign is not then subjected to further curation. The score for this variant resulted in a classification of benign for this disease.

Breakthrough Genomics
Classification: Likely benign. Review status: criteria provided, single submitter. Criteria: ACMG Guidelines, 2015. Collection method: not provided. Allele origin: germline. Inheritance: Autosomal dominant inheritance. Affected: yes.

PreventionGenetics, part of Exact Sciences
Classification: Benign. Review status: criteria provided, single submitter. Criteria: ACMG Guidelines, 2015. Collection method: clinical testing. Allele origin: germline.

Genome Diagnostics Laboratory, Amsterdam University Medical Center
Classification: Benign. Review status: no assertion criteria provided. Collection method: clinical testing. Allele origin: germline. Affected: yes. Study: VKGL Data-share Consensus. Not counted in ClinVar's aggregate classification.

Laboratory of Diagnostic Genome Analysis, Leiden University Medical Center (LUMC)
Classification: Likely benign. Review status: no assertion criteria provided. Collection method: clinical testing. Allele origin: germline. Affected: yes. Study: VKGL Data-share Consensus. Not counted in ClinVar's aggregate classification.

Literature cited by the submitters: PubMed 26894465 (cited by Athena Diagnostics); PubMed 22006983 (cited by Athena Diagnostics); PubMed 9388399 (cited by Athena Diagnostics); PubMed 22795385 (cited by Athena Diagnostics); PubMed 24086431 (cited by Athena Diagnostics); PubMed 27881154 (cited by Athena Diagnostics); PubMed 26806700 (cited by Athena Diagnostics); PubMed 19006080 (cited by Athena Diagnostics); PubMed 22153900 (cited by Athena Diagnostics).